The following is an entry in ClinVar:

ClinVar aggregate classification (germline): Likely pathogenic. Review status: reviewed by expert panel (3 of 4 stars). 3 submissions from 3 submitters: Likely pathogenic (1). 2 of the submissions do not count toward it. Last evaluated 2026-09-28.
ClinVar aggregate classification (oncogenicity): Uncertain significance (1 of 4 stars; one submission).

Conditions:
T-B+ severe combined immunodeficiency due to JAK3 deficiency. Also called: SCID, T CELL-NEGATIVE, B CELL-POSITIVE, NK CELL-NEGATIVE; SCID, autosomal recessive, T-negative/B-positive type. Identifiers: Orphanet 35078, MedGen C1833275, MONDO:0010938, OMIM 600802.
Severe combined immunodeficiency disease. Also called: Severe combined immunodeficiency; Severe Combined Immune Deficiency. Identifiers: Orphanet 183660, MedGen C0085110, MeSH D016511, MONDO:0015974, HP:0004430. Inheritance: X-Linked or Autosomal recessive.
Neoplasm. Also called: tumor; Neoplasms; Neoplasm (disease). Identifiers: MedGen C0027651, MeSH D009369, MONDO:0005070, HP:0002664.

Allele frequency attached by ClinVar (database versions not stated): gnomAD 0.00001; ESP Exome Variant Server 0.00008; ExAC 0.00007.
gnomAD v4.1: 66 of 1,614,034 alleles (0.0041%); highest among the groups gnomAD compares: Non-Finnish European, 0.0055%; no homozygotes.

Submissions (4):

ClinGen Severe Combined Immunodeficiency Variant Curation Expert Panel, ClinGen
Classification: Likely pathogenic for T-B+ severe combined immunodeficiency due to JAK3 deficiency. Last evaluated: 2026-09-28. Review status: reviewed by expert panel. Criteria: ClinGen SCID ACMG Specifications JAK3 V2.3. Collection method: curation. Allele origin: germline. Inheritance: Autosomal recessive inheritance.
Comment: NM_000215.4(JAK3):c.2141C>T is a missense variant predicted to result in the substitution of threonine with methionine at amino acid 714 (p.Thr714Met), located within the JH2 (pseudokinase) domain of JAK3. The Grpmax filtering allele frequency of this variant is 0.00004428 (European non-Finnish) in gnomAD v4.1.1, which is lower than the ClinGen SCID VCEP threshold (<0.000115) for PM2_Supporting for JAK3, therefore meets this criterion (PM2_Supporting). No homozygotes have been observed, and the variant does not meet BS1, BS2, or BA1. This variant has been identified in the homozygous state in two affected brothers from a family in which the parents are first cousins (PMID: 15644840); this family is counted once (0.5 point). It has also been identified in the homozygous state in an affected proband with SCID (PMID: 30293248). Consanguinity was not reported for this proband's family; given the high rate of consanguinity in the study cohort, consanguinity is assumed (0.5 point). Total: 1.0 point, meeting the threshold for PM3. This variant segregated with disease in two affected brothers, both homozygous by JAK3 sequencing and sharing a homozygous haplotype at the JAK3 locus (PMID: 15644840). No unaffected siblings were genotyped. Two affected segregations yield a LOD score of 1.2, meeting the threshold for PP1_Moderate. Autologous T cells were essentially absent and the PHA proliferative response was absent, meeting PIDTC 2022 criteria for typical SCID (0.5 point). Genetic testing was limited to JAK3 sequencing. Total: 1.0 point, meeting the threshold for PP4. In summary, this variant meets the criteria to be classified as a Variant of Uncertain Significance for autosomal recessive severe combined immunodeficiency due to JAK3 deficiency based on the ACMG/AMP criteria applied, as specified by the ClinGen SCID VCEP: PM3, PP1_Moderate, PP4, PM2_Supporting (VCEP specifications version 2.3).

Center for Genomic Medicine, Rigshospitalet, Copenhagen University Hospital
Classification: Uncertain significance for Neoplasm. Last evaluated: 2025-03-04. Review status: criteria provided, single submitter. Criteria: ClinGen/CGC/VICC Guidelines for Oncogenicity, 2022. Collection method: clinical testing. Allele origin: somatic. Affected: yes.

Fulgent Genetics
Classification: Pathogenic for T-B+ severe combined immunodeficiency due to JAK3 deficiency. Last evaluated: 2024-04-11. Review status: criteria provided, single submitter. Criteria: ACMG Guidelines, 2015. Collection method: clinical testing. Allele origin: germline. Not counted in ClinVar's aggregate classification.

Women's Health and Genetics/Laboratory Corporation of America, LabCorp
Classification: Pathogenic for Severe combined immunodeficiency disease. Last evaluated: 2023-07-12. Review status: criteria provided, single submitter. Criteria: LabCorp Variant Classification Summary - May 2015. Collection method: clinical testing. Allele origin: germline. Not counted in ClinVar's aggregate classification.
Comment: Variant summary: JAK3 c.2141C>T (p.Thr714Met) results in a non-conservative amino acid change located in the Protein kinase domain (IPR000719) of the encoded protein sequence. Five of five in-silico tools predict a damaging effect of the variant on protein function. The variant allele was found at a frequency of 4.4e-05 in 251400 control chromosomes. This frequency is not significantly higher than estimated for a pathogenic variant in JAK3 causing Severe Combined Immunodeficiency (4.4e-05 vs 0.00094), allowing no conclusion about variant significance. c.2141C>T has been reported in the literature in multiple homozygous individuals affected with Severe Combined Immunodeficiency (Nair_2018, Tezcan_2005). These data indicate that the variant is very likely to be associated with disease. To our knowledge, no experimental evidence demonstrating an impact on protein function has been reported. The following publications have been ascertained in the context of this evaluation (PMID: 30293248, 15644840). No submitters have cited clinical-significance assessments for this variant to ClinVar after 2014. Based on the evidence outlined above, the variant was classified as pathogenic.

Literature cited by the submitters: PubMed 15644840 (cited by Women's Health and Genetics/Laboratory Corporation of America, LabCorp); PubMed 30293248 (cited by Women's Health and Genetics/Laboratory Corporation of America, LabCorp).

NM_000215.4(JAK3):c.2141C>T (p.Thr714Met)

Gene: JAK3 (Janus kinase 3; minus strand). Cytogenetic location: 19p13.11.
Variant type: single nucleotide variant.
Coding change: c.2141C>T on transcript NM_000215.4 (MANE Select); coding-DNA position 2141, C replaced by T.
Protein change: p.Thr714Met; replaces threonine 714 with methionine.
Molecular consequence: missense variant.
Genome position (GRCh38, 1-based): chr19:17,834,910, G>A on the plus strand (C>T on the coding strand, the complement: JAK3 is on the minus strand). VCF-style: chr19-17834910-G-A. GRCh37 (hg19) VCF-style: chr19-17945719-G-A.
Other names: NM_000215.4(JAK3):c.2141C>T; p.Thr714Met; short protein forms T714M.
Identifiers: ClinVar variation 2577241 (VCV002577241.6), dbSNP rs140655992, ClinGen allele CA9301675.